The following is an entry in ClinVar:

ClinVar aggregate classification (germline): Pathogenic (1 of 4 stars; one submission).

Submission:

Quest Diagnostics Nichols Institute San Juan Capistrano
Classification: Pathogenic. Last evaluated: 2024-05-17. Review status: criteria provided, single submitter. Criteria: ACMG/ClinGen CNV Guidelines, 2019. Collection method: clinical testing. Allele origin: unknown.
Comment: This copy number gain includes gene PMP22 (OMIM 601097) and is consistent with the 17p12 recurrent region (ISCA-37436), triplosensitivity of which is associated with Charcot-Marie-Tooth disease type 1A (OMIM 118220; Koc 2007, Nagappa 2024). Thus, this CNV is classified as pathogenic. References: Koc et al., Int J Neurosci. 2007 Nov;117(11):1611-9. PMID: 17917930; Nagappa et al., StatPearls [Internet]. 2024 Jun 22. PMID: 32965834

GRCh37/hg19 17p12(chr17:14087934-15479940)x3

Genes: CDRT15 (CMT1A duplicated region transcript 15; minus strand), CDRT4 (CMT1A duplicated region transcript 4; minus strand), COX10 (cytochrome c oxidase assembly factor heme A:farnesyltransferase COX10; plus strand), HS3ST3B1 (heparan sulfate-glucosamine 3-sulfotransferase 3B1; plus strand), PMP22 (peripheral myelin protein 22; minus strand) and 3 more. Cytogenetic location: 17p12.
Variant type: copy number gain.
Change: copy number 3 (three copies instead of two) of chr17:14,087,934-15,479,940 (1.39 Mb, GRCh37 coordinates, 1-based), cytogenetic band 17p12.
Identifiers: ClinVar variation 1807700 (VCV001807700.1).